The following is an entry in ClinVar:

ClinVar aggregate classification (germline): Uncertain significance (1 of 4 stars; one submission).

Conditions:
EGFR-related lung cancer (EGFR). Identifiers: MedGen CN130014.

Submission:

Labcorp Genetics (formerly Invitae), Labcorp
Classification: Uncertain significance for EGFR-related lung cancer. Last evaluated: 2025-02-26. Review status: criteria provided, single submitter. Criteria: Invitae Variant Classification Sherloc (09022015). Collection method: clinical testing. Allele origin: germline.
Comment: This sequence change replaces serine, which is neutral and polar, with isoleucine, which is neutral and non-polar, at codon 991 of the EGFR protein (p.Ser991Ile). This variant is not present in population databases (gnomAD no frequency). This variant has not been reported in the literature in individuals affected with EGFR-related conditions. Invitae Evidence Modeling of protein sequence and biophysical properties (such as structural, functional, and spatial information, amino acid conservation, physicochemical variation, residue mobility, and thermodynamic stability) indicates that this missense variant is not expected to disrupt EGFR protein function with a negative predictive value of 80%. Algorithms developed to predict the effect of sequence changes on RNA splicing suggest that this variant may disrupt the consensus splice site. In summary, the available evidence is currently insufficient to determine the role of this variant in disease. Therefore, it has been classified as a Variant of Uncertain Significance.

NM_005228.5(EGFR):c.2972G>T (p.Ser991Ile)

Gene: EGFR (epidermal growth factor receptor; plus strand). Cytogenetic location: 7p11.2.
Variant type: single nucleotide variant.
Coding change: c.2972G>T on transcript NM_005228.5 (MANE Select); coding-DNA position 2972, G replaced by T.
Protein change: p.Ser991Ile; replaces serine 991 with isoleucine.
Molecular consequence: missense variant.
Genome position (GRCh38, 1-based): chr7:55,201,213, G>T. VCF-style: chr7-55201213-G-T. GRCh37 (hg19) VCF-style: chr7-55268906-G-T.
Other names: c.2837G>T, p.Ser946Ile (NM_001346897.2, NM_001346899.2); c.2972G>T, p.Ser991Ile (NM_001346898.2); c.2813G>T, p.Ser938Ile (NM_001346900.2); c.2171G>T, p.Ser724Ile (NM_001346941.2); short protein forms S724I, S938I, S946I, S991I.
Identifiers: ClinVar variation 3611992 (VCV003611992.2).